The following is an entry in ClinVar:

NM_006180.6(NTRK2):c.993T>C (p.Cys331=)

Gene: NTRK2 (neurotrophic receptor tyrosine kinase 2; plus strand). Cytogenetic location: 9q21.33.
Variant type: single nucleotide variant.
Coding change: c.993T>C on transcript NM_006180.6 (MANE Select); coding-DNA position 993, T replaced by C.
Protein change: p.Cys331=; no amino-acid change (cysteine 331 retained).
Molecular consequence: synonymous variant.
Genome position (GRCh38, 1-based): chr9:84,727,793, T>C. VCF-style: chr9-84727793-T-C. GRCh37 (hg19) VCF-style: chr9-87342708-T-C.
Other names: c.993T>C, p.Cys331= (NM_001007097.3, NM_001018064.3, NM_001018065.2 and 17 more transcripts); c.954T>C, p.Cys318= (NM_001291937.2, NM_001369546.1); c.525T>C, p.Cys175= (NM_001369535.1, NM_001369536.1, NM_001369550.1 and 2 more transcripts); c.993T>C (NM_006180.4).
Identifiers: ClinVar variation 2120774 (VCV002120774.5), dbSNP rs1049198663, ClinGen allele CA195748604.

ClinVar aggregate classification (germline): Likely benign. Review status: criteria provided, single submitter (1 of 4 stars). 2 submissions from 2 submitters: Likely benign (1). 1 of the submissions does not count toward it. Last evaluated 2022-08-11.

Conditions:
NTRK2-related disorder. Also called: NTRK2-related condition.

Allele frequency attached by ClinVar (database versions not stated): gnomAD exomes below 0.00001; TOPMed 0.00002; gnomAD 0.00003.
gnomAD v4.1: 7 of 1,614,062 alleles (0.00043%); highest among the groups gnomAD compares: African/African-American, 0.0093%; no homozygotes.

Submissions (2):

Labcorp Genetics (formerly Invitae), Labcorp
Classification: Likely benign. Last evaluated: 2022-08-11. Review status: criteria provided, single submitter. Criteria: Invitae Variant Classification Sherloc (09022015). Collection method: clinical testing. Allele origin: germline.

PreventionGenetics, part of Exact Sciences
Classification: Likely benign for NTRK2-related condition. Last evaluated: 2024-07-17. Review status: no assertion criteria provided. Collection method: clinical testing. Allele origin: germline. Not counted in ClinVar's aggregate classification.
Comment: This variant is classified as likely benign based on ACMG/AMP sequence variant interpretation guidelines (Richards et al. 2015 PMID: 25741868, with internal and published modifications).